The following is an entry in ClinVar:

ClinVar aggregate classification (germline): Uncertain significance (1 of 4 stars; one submission).

Conditions:
Dyskeratosis congenita, autosomal recessive 5 (DKCB5). Identifiers: MedGen C3554656, MONDO:0014076, OMIM 615190.
Pulmonary fibrosis and/or bone marrow failure, Telomere-related, 3. Also called: PULMONARY FIBROSIS AND/OR BONE MARROW FAILURE SYNDROME, TELOMERE-RELATED, 3. Identifiers: Orphanet 2032, MedGen C4225346, MONDO:0014613, OMIM 616373.

Submission:

Labcorp Genetics (formerly Invitae), Labcorp
Classification: Uncertain significance for Dyskeratosis congenita, autosomal recessive 5; Pulmonary fibrosis and/or bone marrow failure, Telomere-related, 3. Last evaluated: 2024-03-12. Review status: criteria provided, single submitter. Criteria: Invitae Variant Classification Sherloc (09022015). Collection method: clinical testing. Allele origin: germline.
Comment: This variant, c.3757_3759del, results in the deletion of 1 amino acid(s) of the RTEL1 protein (p.Val1253del), but otherwise preserves the integrity of the reading frame. This variant is not present in population databases (gnomAD no frequency). This variant has not been reported in the literature in individuals affected with RTEL1-related conditions. Experimental studies and prediction algorithms are not available or were not evaluated, and the functional significance of this variant is currently unknown. In summary, the available evidence is currently insufficient to determine the role of this variant in disease. Therefore, it has been classified as a Variant of Uncertain Significance.

NM_001283009.2(RTEL1):c.3754GTG[1] (p.Val1253del)

Genes: RTEL1 (regulator of telomere elongation helicase 1; plus strand), RTEL1-TNFRSF6B (RTEL1-TNFRSF6B readthrough (NMD candidate); plus strand). Cytogenetic location: 20q13.33.
Variant type: Microsatellite.
Coding change: c.3754GTG[1] on transcript NM_001283009.2 (MANE Select); one copy of the 3-base unit GTG starting at c.3754; the reference has two copies in a row; one copy, 3 bases deleted.
Protein change: p.Val1253del; deletes valine 1253.
Molecular consequence: inframe deletion. On other transcripts: non-coding transcript variant (1), intron variant (3).
Genome position (GRCh38, 1-based): chr20:63,695,585-63,695,587, GTG deleted; deleting any 3 consecutive bases within chr20:63,695,582-63,695,587 gives the same sequence; the position shown is the placement nearest the transcript's 3' end. VCF-style (leftmost placement, unchanged base first): chr20-63695581-CGTG-C. GRCh37 (hg19) VCF-style: chr20-62326934-CGTG-C.
Other names: c.2983+105_2983+107del (NM_001283010.1); c.3724+105_3724+107del (NM_032957.5); c.3652+105_3652+107del (NM_016434.4); short protein forms V1253del.
Identifiers: ClinVar variation 2926671 (VCV002926671.3), dbSNP rs2090959009, ClinGen allele CA1019324803.